The following is an entry in ClinVar:

ClinVar aggregate classification (germline): Uncertain significance (1 of 4 stars; one submission).

Conditions:
Intellectual developmental disorder, autosomal dominant 39. Also called: Mental retardation, autosomal dominant 39; Intellectual disability, autosomal dominant 39. Identifiers: MedGen C4225296, MONDO:0014678, OMIM 616521.

Submission:

Laboratorio de Genetica e Diagnostico Molecular, Hospital Israelita Albert Einstein
Classification: Uncertain significance for Intellectual developmental disorder, autosomal dominant 39. Last evaluated: 2024-02-23. Review status: criteria provided, single submitter. Criteria: ACMG Guidelines, 2015. Collection method: clinical testing. Allele origin: germline. Affected: yes.
Comment: ACMG classification criteria: PM2 supporting, PP2 supporting

NM_001303052.2(MYT1L):c.2969T>G (p.Leu990Arg)

Gene: MYT1L (myelin transcription factor 1 like; minus strand). Cytogenetic location: 2p25.3.
Variant type: single nucleotide variant.
Coding change: c.2969T>G on transcript NM_001303052.2 (MANE Select); coding-DNA position 2969, T replaced by G.
Protein change: p.Leu990Arg; replaces leucine 990 with arginine.
Molecular consequence: missense variant.
Genome position (GRCh38, 1-based): chr2:1,839,260, A>C on the plus strand (T>G on the coding strand, the complement: MYT1L is on the minus strand). VCF-style: chr2-1839260-A-C. GRCh37 (hg19) VCF-style: chr2-1843032-A-C.
Other names: c.2969T>G, p.Leu990Arg (NM_001329844.2, NM_001329845.1, NM_001329851.3); c.2963T>G, p.Leu988Arg (NM_001329846.3, NM_001329847.2, NM_001329848.1 and 3 more transcripts); short protein forms L988R, L990R.
Identifiers: ClinVar variation 4056634 (VCV004056634.1).